The following is an entry in ClinVar:

ClinVar aggregate classification (germline): Uncertain significance. Review status: criteria provided, multiple submitters, no conflicts (2 of 4 stars). 4 submissions from 4 submitters: Uncertain significance (4). Last evaluated 2025-09-14.

Conditions:
Hereditary cancer-predisposing syndrome. Also called: Hereditary neoplastic syndrome; Tumor predisposition; Hereditary Cancer Syndrome; Neoplastic Syndromes, Hereditary. Identifiers: Orphanet 140162, MedGen C0027672, MeSH D009386, MONDO:0015356.
Basal cell carcinoma, susceptibility to, 1. Also called: BCC1. Identifiers: MedGen C2751544, MONDO:0011556, OMIM 605462.
Gorlin syndrome. Also called: Basal cell nevus syndrome; Nevoid Basal Cell Carcinoma Syndrome. Identifiers: Orphanet 377, MedGen C0004779, MONDO:0007187.

Allele frequency attached by ClinVar (database versions not stated): gnomAD exomes below 0.00001; TOPMed below 0.00001.
gnomAD v4.1: 3 of 1,255,464 alleles (0.00024%); highest among the groups gnomAD compares: Non-Finnish European, 0.0003%; no homozygotes.

Submissions (4):

Labcorp Genetics (formerly Invitae), Labcorp
Classification: Uncertain significance for Gorlin syndrome. Last evaluated: 2025-09-14. Review status: criteria provided, single submitter. Criteria: Invitae Variant Classification Sherloc (09022015). Collection method: clinical testing. Allele origin: germline.
Comment: This sequence change replaces alanine, which is neutral and non-polar, with valine, which is neutral and non-polar, at codon 7 of the PTCH1 protein (p.Ala7Val). This variant is not present in population databases (gnomAD no frequency). This variant has not been reported in the literature in individuals affected with PTCH1-related conditions. ClinVar contains an entry for this variant (Variation ID: 575662). Invitae Evidence Modeling of protein sequence and biophysical properties (such as structural, functional, and spatial information, amino acid conservation, physicochemical variation, residue mobility, and thermodynamic stability) indicates that this missense variant is not expected to disrupt PTCH1 protein function with a negative predictive value of 95%. In summary, the available evidence is currently insufficient to determine the role of this variant in disease. Therefore, it has been classified as a Variant of Uncertain Significance.

GeneDx
Classification: Uncertain significance. Last evaluated: 2025-07-28. Review status: criteria provided, single submitter. Criteria: GeneDx Variant Classification Process June 2021. Collection method: clinical testing. Allele origin: germline. Affected: yes.
Comment: Not observed at significant frequency in large population cohorts (gnomAD); In silico analysis suggests that this missense variant does not alter protein structure/function; Has not been previously published as pathogenic or benign to our knowledge

Ambry Genetics
Classification: Uncertain significance for Hereditary cancer-predisposing syndrome. Last evaluated: 2025-01-18. Review status: criteria provided, single submitter. Criteria: Ambry Variant Classification Scheme 2023. Collection method: clinical testing. Allele origin: germline.
Comment: The p.A7V variant (also known as c.20C>T), located in coding exon 1 of the PTCH1 gene, results from a C to T substitution at nucleotide position 20. The alanine at codon 7 is replaced by valine, an amino acid with similar properties. This amino acid position is not well conserved in available vertebrate species. In addition, this alteration is predicted to be tolerated by in silico analysis. Since supporting evidence is limited at this time, the clinical significance of this alteration remains unclear.

Baylor Genetics
Classification: Uncertain significance for Basal cell carcinoma, susceptibility to, 1. Last evaluated: 2023-12-15. Review status: criteria provided, single submitter. Criteria: ACMG Guidelines, 2015. Collection method: clinical testing. Allele origin: unknown.

NM_000264.5(PTCH1):c.20C>T (p.Ala7Val)

Genes: PTCH1 (patched 1; minus strand), LOC130002133 (ATAC-STARR-seq lymphoblastoid silent region 20071; plus strand). Cytogenetic location: 9q22.32.
Variant type: single nucleotide variant.
Coding change: c.20C>T on transcript NM_000264.5 (MANE Select); coding-DNA position 20, C replaced by T.
Protein change: p.Ala7Val; replaces alanine 7 with valine.
Molecular consequence: missense variant. On other transcripts: non-coding transcript variant (1), intron variant (3).
Genome position (GRCh38, 1-based): chr9:95,508,342, G>A on the plus strand (C>T on the coding strand, the complement: PTCH1 is on the minus strand). VCF-style: chr9-95508342-G-A. GRCh37 (hg19) VCF-style: chr9-98270624-G-A.
Other names: c.20C>T, p.Ala7Val (NM_001354918.2); c.199-1743C>T (NM_001083603.3); c.4-1743C>T (NM_001083602.3, NM_001354919.2); short protein forms A7V.
Identifiers: ClinVar variation 575662 (VCV000575662.19), dbSNP rs1564092028, ClinGen allele CA374121702.
Genomic context (GRCh38, chr9:95,508,342, plus strand): 5'-GGCCGTCCCGGGGCACCGATACAGCCGCTGCCGCCGCCGCCGCGGTCCTGGGGCTCGGCG[G>A]CGTTACCAGCCGAGGCCATGTTGCCGCCGCCGCCGCCGCCGCCGCGGGGACGGAGGCTTC-3'
Protein context (NP_000255.2, residues 1-17): MASAGN[Ala7Val]AEPQDRGGGG